The following is an entry in ClinVar:

NM_003673.4(TCAP):c.287C>T (p.Pro96Leu)

Gene: TCAP (titin-cap; plus strand). Cytogenetic location: 17q12.
Variant type: single nucleotide variant.
Coding change: c.287C>T on transcript NM_003673.4 (MANE Select); coding-DNA position 287, C replaced by T.
Protein change: p.Pro96Leu; replaces proline 96 with leucine.
Molecular consequence: missense variant.
Genome position (GRCh38, 1-based): chr17:39,665,892, C>T. VCF-style: chr17-39665892-C-T. GRCh37 (hg19) VCF-style: chr17-37822145-C-T.
Other names: short protein forms P96L.
Identifiers: ClinVar variation 4784280 (VCV004784280.1).
Genomic context (GRCh38, chr17:39,665,892, plus strand): 5'-GTGGGCTGCAGGAGTACCAGCTGCCCTACCAGCGGGTACTGCCGCTGCCCATCTTCACCC[C>T]TGCCAAGATGGGCGCCACCAAGGAGGAGCGTGAGGACACCCCCATCCAGCTTCAGGAGCT-3'
Protein context (NP_003664.1, residues 86-106): QRVLPLPIFT[Pro96Leu]AKMGATKEER

ClinVar aggregate classification (germline): Uncertain significance (1 of 4 stars; one submission).

Conditions:
Primary familial hypertrophic cardiomyopathy (HCM). Identifiers: Orphanet 99739, MedGen C0949658, MeSH D024741, MONDO:0024573. Inheritance: Various modes of inheritance.
Hypertrophic cardiomyopathy 25 (CMH25). Also called: CARDIOMYOPATHY, FAMILIAL HYPERTROPHIC, 25. Identifiers: MedGen C4225408, MONDO:0011843, OMIM 607487.

Submission:

Labcorp Genetics (formerly Invitae), Labcorp
Classification: Uncertain significance for Hypertrophic cardiomyopathy 25; Primary familial hypertrophic cardiomyopathy. Last evaluated: 2025-02-26. Review status: criteria provided, single submitter. Criteria: Invitae Variant Classification Sherloc (09022015). Collection method: clinical testing. Allele origin: germline.
Comment: This sequence change replaces proline, which is neutral and non-polar, with leucine, which is neutral and non-polar, at codon 96 of the TCAP protein (p.Pro96Leu). This variant is not present in population databases (gnomAD no frequency). This variant has not been reported in the literature in individuals affected with TCAP-related conditions. An algorithm developed to predict the effect of missense changes on protein structure and function (PolyPhen-2) suggests that this variant is likely to be disruptive. In summary, the available evidence is currently insufficient to determine the role of this variant in disease. Therefore, it has been classified as a Variant of Uncertain Significance.